The following is an entry in ClinVar:

NM_006073.3:c.(1804+1_1805-1)_(1831+1_1832-1)del

Gene: TRDN (triadin; minus strand).
Variant type: Deletion.
Identifiers: ClinVar variation 3895137 (VCV003895137.1).

ClinVar aggregate classification (germline): Uncertain significance (1 of 4 stars; one submission).

Conditions:
Cardiovascular phenotype. Identifiers: MedGen CN230736.

Submission:

Molecular Diagnostic Laboratory for Inherited Cardiovascular Disease, Montreal Heart Institute
Classification: Uncertain significance for Cardiovascular phenotype. Last evaluated: 2025-04-09. Review status: criteria provided, single submitter. Criteria: ACMG Guidelines, 2015. Collection method: clinical testing. Allele origin: germline. Affected: yes.
Comment: PVS1_mod, PM2